The following is an entry in ClinVar:

ClinVar aggregate classification (germline): Benign (1 of 4 stars; one submission).

Conditions:
Desbuquois dysplasia 1 (DBQD1). Also called: MICROMELIC DWARFISM WITH VERTEBRAL AND METAPHYSEAL ABNORMALITIES AND ADVANCED CARPOTARSAL OSSIFICATION; DESBUQUOIS DYSPLASIA 1, KIM VARIANT. Identifiers: Orphanet 1425, MedGen C4012146, MONDO:0009629, OMIM 251450.

Allele frequency attached by ClinVar (database versions not stated): gnomAD exomes 0.00090; gnomAD 0.00472 and 0.00503; 1000 Genomes Project 0.00519; 1000 Genomes Project 30x 0.00531; TOPMed 0.00550.
gnomAD v4.1: 791 of 232,066 alleles (0.34%); highest among the groups gnomAD compares: African/African-American, 1.6%; 6 homozygotes.

Submission:

Illumina Laboratory Services, Illumina
Classification: Benign for Desbuquois dysplasia 1. Last evaluated: 2018-01-13. Review status: criteria provided, single submitter. Criteria: ICSL Variant Classification Criteria 13 December 2019. Collection method: clinical testing. Allele origin: germline.
Comment: This variant was observed in the ICSL laboratory as part of a predisposition screen in an ostensibly healthy population. It had not been previously curated by ICSL or reported in the Human Gene Mutation Database (HGMD: prior to June 1st, 2018), and was therefore a candidate for classification through an automated scoring system. Utilizing variant allele frequency, disease prevalence and penetrance estimates, and inheritance mode, an automated score was calculated to assess if this variant is too frequent to cause the disease. Based on the score and internal cut-off values, a variant classified as benign is not then subjected to further curation. The score for this variant resulted in a classification of benign for this disease.

NM_001159773.2(CANT1):c.*1476G>A

Gene: CANT1 (calcium activated nucleotidase 1; minus strand). Cytogenetic location: 17q25.3.
Variant type: single nucleotide variant.
Coding change: c.*1476G>A on transcript NM_001159773.2 (MANE Select); 1476 bases downstream of the stop codon, G replaced by A.
Molecular consequence: 3 prime UTR variant.
Genome position (GRCh38, 1-based): chr17:78,992,074, C>T on the plus strand (G>A on the coding strand, the complement: CANT1 is on the minus strand). VCF-style: chr17-78992074-C-T. GRCh37 (hg19) VCF-style: chr17-76988156-C-T.
Other names: c.*1476G>A (NM_001159772.2, NM_138793.4).
Identifiers: ClinVar variation 325668 (VCV000325668.5), dbSNP rs73999357, ClinGen allele CA10651187.